The following is an entry in ClinVar:

NM_013432.5(TONSL):c.3000T>G (p.Asn1000Lys)

Gene: TONSL (tonsoku like, DNA repair protein; minus strand). Cytogenetic location: 8q24.3.
Variant type: single nucleotide variant.
Coding change: c.3000T>G on transcript NM_013432.5 (MANE Select); coding-DNA position 3000, T replaced by G.
Protein change: p.Asn1000Lys; replaces asparagine 1000 with lysine.
Molecular consequence: missense variant.
Genome position (GRCh38, 1-based): chr8:144,435,023, A>C on the plus strand (T>G on the coding strand, the complement: TONSL is on the minus strand). VCF-style: chr8-144435023-A-C. GRCh37 (hg19) VCF-style: chr8-145660406-A-C.
Other names: short protein forms N1000K.
Identifiers: ClinVar variation 1499298 (VCV001499298.6), dbSNP rs2130846184, ClinGen allele CA372649158.
Genomic context (GRCh38, chr8:144,435,023, plus strand): 5'-CCCGGGGGCTCCCGGTGCCTGAGGCCCTGGCTCCCCCTCCGCTCTGCGGCTCACCTCGTC[A>C]TTGCTCTGCAGCACATCAGGGATGAGGTCCTGTGGGGCCAGCAGGGCCCCCTCTTTCCGT-3'
Protein context (NP_038460.4, residues 990-1010): QDLIPDVLQS[Asn1000Lys]DEVLAEVTSW

ClinVar aggregate classification (germline): Uncertain significance (1 of 4 stars; one submission).

Submission:

Labcorp Genetics (formerly Invitae), Labcorp
Classification: Uncertain significance. Last evaluated: 2020-12-31. Review status: criteria provided, single submitter. Criteria: Invitae Variant Classification Sherloc (09022015). Collection method: clinical testing. Allele origin: germline.
Comment: In summary, the available evidence is currently insufficient to determine the role of this variant in disease. Therefore, it has been classified as a Variant of Uncertain Significance. Algorithms developed to predict the effect of missense changes on protein structure and function are either unavailable or do not agree on the potential impact of this missense change (SIFT: "Tolerated"; PolyPhen-2: "Possibly Damaging"; Align-GVGD: "Class C0"). This variant has not been reported in the literature in individuals with TONSL-related conditions. This variant is not present in population databases (ExAC no frequency). This sequence change replaces asparagine with lysine at codon 1000 of the TONSL protein (p.Asn1000Lys). The asparagine residue is highly conserved and there is a moderate physicochemical difference between asparagine and lysine.